The following is an entry in ClinVar:

NM_001367561.1(DOCK7):c.3797G>A (p.Arg1266Gln)

Gene: DOCK7 (dedicator of cytokinesis 7; minus strand). Cytogenetic location: 1p31.3.
Variant type: single nucleotide variant.
Coding change: c.3797G>A on transcript NM_001367561.1 (MANE Select); coding-DNA position 3797, G replaced by A.
Protein change: p.Arg1266Gln; replaces arginine 1266 with glutamine.
Molecular consequence: missense variant.
Genome position (GRCh38, 1-based): chr1:62,528,290, C>T on the plus strand (G>A on the coding strand, the complement: DOCK7 is on the minus strand). VCF-style: chr1-62528290-C-T. GRCh37 (hg19) VCF-style: chr1-62993961-C-T.
Other names: c.3704G>A (NM_033407.2); c.3797G>A, p.Arg1266Gln (NM_001271999.2, NM_001330614.2); c.3704G>A, p.Arg1235Gln (NM_001272000.2, NM_001272001.2, NM_033407.4); short protein forms R1266Q, R1235Q.
Identifiers: ClinVar variation 582642 (VCV000582642.16), dbSNP rs138914992, ClinGen allele CA885876.

ClinVar aggregate classification (germline): Uncertain significance. Review status: criteria provided, multiple submitters, no conflicts (2 of 4 stars). 6 submissions from 6 submitters: Uncertain significance (6). Last evaluated 2026-05-22.

Conditions:
Inborn genetic diseases. Identifiers: MedGen C0950123, MeSH D030342.
Developmental and epileptic encephalopathy, 23 (DEE23). Also called: Epileptic encephalopathy, early infantile, 23. Identifiers: Orphanet 411986, MedGen C4014492, MONDO:0014371, OMIM 615859.

Allele frequency attached by ClinVar (database versions not stated): gnomAD exomes 0.00006 and 0.00009; TOPMed 0.00027; 1000 Genomes Project 30x 0.00031; 1000 Genomes Project 0.00040; ExAC 0.00005; ESP Exome Variant Server 0.00015; gnomAD 0.00019.
gnomAD v4.1: 113 of 1,608,960 alleles (0.007%); highest among the groups gnomAD compares: African/African-American, 0.072%; no homozygotes.

Submissions (6):

GeneDx
Classification: Uncertain significance. Last evaluated: 2026-05-22. Review status: criteria provided, single submitter. Criteria: GeneDx Variant Classification Process June 2021. Collection method: clinical testing. Allele origin: germline.
Comment: In silico analysis suggests that this missense variant does not alter protein structure/function; Has not been previously published as pathogenic or benign to our knowledge

Ambry Genetics
Classification: Uncertain significance for Inborn genetic diseases. Last evaluated: 2024-09-03. Review status: criteria provided, single submitter. Criteria: Ambry Variant Classification Scheme 2023. Collection method: clinical testing. Allele origin: germline.

Labcorp Genetics (formerly Invitae), Labcorp
Classification: Uncertain significance for Developmental and epileptic encephalopathy, 23. Last evaluated: 2023-11-12. Review status: criteria provided, single submitter. Criteria: Invitae Variant Classification Sherloc (09022015). Collection method: clinical testing. Allele origin: germline.
Comment: This sequence change replaces arginine, which is basic and polar, with glutamine, which is neutral and polar, at codon 1266 of the DOCK7 protein (p.Arg1266Gln). This variant is present in population databases (rs138914992, gnomAD 0.07%). This variant has not been reported in the literature in individuals affected with DOCK7-related conditions. ClinVar contains an entry for this variant (Variation ID: 582642). Advanced modeling of protein sequence and biophysical properties (such as structural, functional, and spatial information, amino acid conservation, physicochemical variation, residue mobility, and thermodynamic stability) performed at Invitae indicates that this missense variant is not expected to disrupt DOCK7 protein function with a negative predictive value of 80%. In summary, the available evidence is currently insufficient to determine the role of this variant in disease. Therefore, it has been classified as a Variant of Uncertain Significance.

Genome-Nilou Lab
Classification: Uncertain significance for Developmental and epileptic encephalopathy, 23. Last evaluated: 2023-04-11. Review status: criteria provided, single submitter. Criteria: ACMG Guidelines, 2015. Collection method: clinical testing. Allele origin: germline. Affected: no.

Knight Diagnostic Laboratories, Oregon Health and Sciences University
Classification: Uncertain significance for Epileptic encephalopathy, early infantile, 23. Last evaluated: 2019-07-29. Review status: criteria provided, single submitter. Criteria: ACMG Guidelines, 2015. Collection method: clinical testing. Allele origin: germline. Observed: 1 variant allele.

Athena Diagnostics
Classification: Uncertain significance. Last evaluated: 2018-06-12. Review status: criteria provided, single submitter. Criteria: Athena Diagnostics Criteria. Collection method: clinical testing. Allele origin: germline.